The following is an entry in ClinVar:

ClinVar aggregate classification (germline): Uncertain significance (1 of 4 stars; one submission).

Submission:

Greenwood Genetic Center Diagnostic Laboratories, Greenwood Genetic Center
Classification: Uncertain significance. Last evaluated: 2023-06-21. Review status: criteria provided, single submitter. Criteria: ACMG Guidelines, 2015. Collection method: clinical testing. Allele origin: germline. Affected: yes.
Comment: PM2

NM_152641.4(ARID2):c.4871C>T (p.Pro1624Leu)

Gene: ARID2 (AT-rich interaction domain 2; plus strand). Cytogenetic location: 12q12.
Variant type: single nucleotide variant.
Coding change: c.4871C>T on transcript NM_152641.4 (MANE Select); coding-DNA position 4871, C replaced by T.
Protein change: p.Pro1624Leu; replaces proline 1624 with leucine.
Molecular consequence: missense variant.
Genome position (GRCh38, 1-based): chr12:45,860,898, C>T. VCF-style: chr12-45860898-C-T. GRCh37 (hg19) VCF-style: chr12-46254681-C-T.
Other names: c.4871C>T, p.Pro1624Leu (NM_001347839.2); short protein forms P1624L.
Identifiers: ClinVar variation 2572287 (VCV002572287.1), dbSNP rs1302090761, ClinGen allele CA384494669.